The following is an entry in ClinVar:

NM_002633.3(PGM1):c.1214G>A (p.Arg405His)

Gene: PGM1 (phosphoglucomutase 1; plus strand). Cytogenetic location: 1p31.3.
Variant type: single nucleotide variant.
Coding change: c.1214G>A on transcript NM_002633.3 (MANE Select); coding-DNA position 1214, G replaced by A.
Protein change: p.Arg405His; replaces arginine 405 with histidine.
Molecular consequence: missense variant.
Genome position (GRCh38, 1-based): chr1:63,648,586, G>A. VCF-style: chr1-63648586-G-A. GRCh37 (hg19) VCF-style: chr1-64114257-G-A.
Other names: c.1268G>A, p.Arg423His (NM_001172818.1); c.623G>A, p.Arg208His (NM_001172819.2); short protein forms R208H, R405H, R423H.
Identifiers: ClinVar variation 2497778 (VCV002497778.1), dbSNP rs765556150, ClinGen allele CA889769.

ClinVar aggregate classification (germline): Uncertain significance (1 of 4 stars; one submission).

Allele frequency attached by ClinVar (database versions not stated): gnomAD 0.00001; TOPMed 0.00001; ExAC 0.00002.

Submission:

GeneDx
Classification: Uncertain significance. Last evaluated: 2022-10-06. Review status: criteria provided, single submitter. Criteria: GeneDx Variant Classification Process June 2021. Collection method: clinical testing. Allele origin: germline. Affected: yes.
Comment: Not observed at significant frequency in large population cohorts (gnomAD); In silico analysis supports that this missense variant has a deleterious effect on protein structure/function; Has not been previously published as pathogenic or benign to our knowledge